The following is an entry in ClinVar:

NM_000138.5(FBN1):c.165-4T>A

Gene: FBN1 (fibrillin 1; minus strand). Cytogenetic location: 15q21.1.
Variant type: single nucleotide variant.
Coding change: c.165-4T>A on transcript NM_000138.5 (MANE Select); 4 bases into the intron before coding-DNA position 165, T replaced by A.
Molecular consequence: intron variant.
Genome position (GRCh38, 1-based): chr15:48,613,096, A>T on the plus strand (T>A on the coding strand, the complement: FBN1 is on the minus strand). VCF-style: chr15-48613096-A-T. GRCh37 (hg19) VCF-style: chr15-48905293-A-T.
Identifiers: ClinVar variation 629493 (VCV000629493.5), dbSNP rs761159501, ClinGen allele CA045583.

ClinVar aggregate classification (germline): Uncertain significance. Review status: criteria provided, multiple submitters, no conflicts (2 of 4 stars). 2 submissions from 2 submitters: Uncertain significance (2). Last evaluated 2023-03-06.

Conditions:
Familial thoracic aortic aneurysm and aortic dissection (TAAD). Also called: Thoracic aortic aneurysms and dissections. Identifiers: Orphanet 91387, MedGen C4707243, MONDO:0019625.

Allele frequency attached by ClinVar (database versions not stated): gnomAD exomes below 0.00001; TOPMed below 0.00001; ExAC 0.00001; gnomAD 0.00001.
gnomAD v4.1: 4 of 1,606,510 alleles (0.00025%); highest among the groups gnomAD compares: Admixed American, 0.0033%; no homozygotes.

Submissions (2):

Blueprint Genetics
Classification: Uncertain significance. Last evaluated: 2023-03-06. Review status: criteria provided, single submitter. Criteria: ACMG Guidelines, 2015. Collection method: clinical testing. Allele origin: germline.

Color Diagnostics, LLC DBA Color Health
Classification: Uncertain significance for Familial thoracic aortic aneurysm and aortic dissection. Last evaluated: 2019-07-02. Review status: criteria provided, single submitter. Criteria: ACMG Guidelines, 2015. Collection method: clinical testing. Allele origin: germline.
Comment: This variant is located in the intron 2 splice region of the FBN1 gene. Computational splicing tools and conservation analyses are inconclusive regarding the impact of this variant on RNA splicing. To our knowledge, functional assays have not been performed to confirm this prediction. This variant has been reported in an individual affected with sudden cardiac death due to thoracic aortic dissection (PMID: 28391405). This variant has been identified in 1/249158 chromosomes in the general population by the Genome Aggregation Database (gnomAD). Available evidence is insufficient to determine the role of this variant in disease conclusively. Therefore, this variant is classified as a Variant of Uncertain Significance.